The following is an entry in ClinVar:

ClinVar aggregate classification (germline): Uncertain significance. Review status: criteria provided, multiple submitters, no conflicts (2 of 4 stars). 2 submissions from 2 submitters: Uncertain significance (2). Last evaluated 2022-07-06.

Allele frequency attached by ClinVar (database versions not stated): gnomAD 0.00003.

Submissions (2):

Labcorp Genetics (formerly Invitae), Labcorp
Classification: Uncertain significance. Last evaluated: 2022-07-06. Review status: criteria provided, single submitter. Criteria: Invitae Variant Classification Sherloc (09022015). Collection method: clinical testing. Allele origin: germline.
Comment: In summary, the available evidence is currently insufficient to determine the role of this variant in disease. Therefore, it has been classified as a Variant of Uncertain Significance. Algorithms developed to predict the effect of missense changes on protein structure and function are either unavailable or do not agree on the potential impact of this missense change (SIFT: "Deleterious"; PolyPhen-2: "Not Available"; Align-GVGD: "Class C65"). This variant has not been reported in the literature in individuals affected with RGR-related conditions. This variant is present in population databases (rs201335015, gnomAD 0.01%). This sequence change replaces arginine, which is basic and polar, with tryptophan, which is neutral and slightly polar, at codon 79 of the RGR protein (p.Arg79Trp).

Blueprint Genetics
Classification: Uncertain significance. Last evaluated: 2021-09-06. Review status: criteria provided, single submitter. Criteria: ACMG Guidelines, 2015. Collection method: clinical testing. Allele origin: germline.

NM_001012720.2(RGR):c.235C>T (p.Arg79Trp)

Gene: RGR (retinal G protein coupled receptor; plus strand). Cytogenetic location: 10q23.1.
Variant type: single nucleotide variant.
Coding change: c.235C>T on transcript NM_001012720.2 (MANE Select); coding-DNA position 235, C replaced by T.
Protein change: p.Arg79Trp; replaces arginine 79 with tryptophan.
Molecular consequence: missense variant.
Genome position (GRCh38, 1-based): chr10:84,247,746, C>T. VCF-style: chr10-84247746-C-T. GRCh37 (hg19) VCF-style: chr10-86007502-C-T.
Other names: c.235C>T, p.Arg79Trp (NM_001012722.2); c.235C>T, p.Arg79Cys (NM_002921.4); short protein forms R79C, R79W.
Identifiers: ClinVar variation 1904127 (VCV001904127.6), dbSNP rs201335015, ClinGen allele CA5581333.